The following is an entry in ClinVar:

ClinVar aggregate classification (germline): Uncertain significance (1 of 4 stars; one submission).

Conditions:
Cohen syndrome (COH1). Also called: PEPPER SYNDROME; Cutis verticis gyrata, retinitis pigmentosa, and sensorineural deafness. Identifiers: Orphanet 193, MedGen C0265223, MONDO:0008999, OMIM 216550.

Allele frequency attached by ClinVar (database versions not stated): gnomAD exomes below 0.00001.
gnomAD v4.1: 1 of 1,613,316 alleles (0.000062%); highest among the groups gnomAD compares: Non-Finnish European, 0.000085%; no homozygotes.

Submission:

Labcorp Genetics (formerly Invitae), Labcorp
Classification: Uncertain significance for Cohen syndrome. Last evaluated: 2022-03-10. Review status: criteria provided, single submitter. Criteria: Invitae Variant Classification Sherloc (09022015). Collection method: clinical testing. Allele origin: germline.
Comment: In summary, the available evidence is currently insufficient to determine the role of this variant in disease. Therefore, it has been classified as a Variant of Uncertain Significance. This sequence change replaces cysteine, which is neutral and slightly polar, with arginine, which is basic and polar, at codon 3261 of the VPS13B protein (p.Cys3261Arg). This variant is not present in population databases (gnomAD no frequency). This variant has not been reported in the literature in individuals affected with VPS13B-related conditions. Algorithms developed to predict the effect of missense changes on protein structure and function are either unavailable or do not agree on the potential impact of this missense change (SIFT: "Not Available"; PolyPhen-2: "Benign"; Align-GVGD: "Not Available").

NM_152564.5(VPS13B):c.9706T>C (p.Cys3236Arg)

Gene: VPS13B (vacuolar protein sorting 13 homolog B; plus strand). Cytogenetic location: 8q22.2.
Variant type: single nucleotide variant.
Coding change: c.9706T>C on transcript NM_152564.5 (MANE Select); coding-DNA position 9706, T replaced by C.
Protein change: p.Cys3236Arg; replaces cysteine 3236 with arginine.
Molecular consequence: missense variant.
Genome position (GRCh38, 1-based): chr8:99,835,288, T>C. VCF-style: chr8-99835288-T-C. GRCh37 (hg19) VCF-style: chr8-100847516-T-C.
Other names: c.9781T>C, p.Cys3261Arg (NM_017890.5); short protein forms C3236R, C3261R.
Identifiers: ClinVar variation 1391004 (VCV001391004.8), dbSNP rs1815327230, ClinGen allele CA371782741.